The following is an entry in ClinVar:

NM_002618.4(PEX13):c.892A>T (p.Met298Leu)

Gene: PEX13 (peroxisomal biogenesis factor 13; plus strand). Cytogenetic location: 2p15.
Variant type: single nucleotide variant.
Coding change: c.892A>T on transcript NM_002618.4 (MANE Select); coding-DNA position 892, A replaced by T.
Protein change: p.Met298Leu; replaces methionine 298 with leucine.
Molecular consequence: missense variant.
Genome position (GRCh38, 1-based): chr2:61,045,830, A>T. VCF-style: chr2-61045830-A-T. GRCh37 (hg19) VCF-style: chr2-61272965-A-T.
Other names: short protein forms M298L.
Identifiers: ClinVar variation 1427344 (VCV001427344.6), dbSNP rs2104812788, ClinGen allele CA346948811.

ClinVar aggregate classification (germline): Uncertain significance (1 of 4 stars; one submission).

Conditions:
Peroxisome biogenesis disorder 11A (Zellweger). Also called: Peroxisome biogenesis disorder 11A. Identifiers: Orphanet 912, MedGen C3554000, MONDO:0013949, OMIM 614883.

Submission:

Labcorp Genetics (formerly Invitae), Labcorp
Classification: Uncertain significance for Peroxisome biogenesis disorder 11A (Zellweger). Last evaluated: 2021-10-05. Review status: criteria provided, single submitter. Criteria: Invitae Variant Classification Sherloc (09022015). Collection method: clinical testing. Allele origin: germline.
Comment: This variant has not been reported in the literature in individuals affected with PEX13-related conditions. This variant is not present in population databases (ExAC no frequency). This sequence change replaces methionine with leucine at codon 298 of the PEX13 protein (p.Met298Leu). The methionine residue is moderately conserved and there is a small physicochemical difference between methionine and leucine. Algorithms developed to predict the effect of missense changes on protein structure and function (SIFT, PolyPhen-2, Align-GVGD) all suggest that this variant is likely to be tolerated. In summary, the available evidence is currently insufficient to determine the role of this variant in disease. Therefore, it has been classified as a Variant of Uncertain Significance.